The following is an entry in ClinVar:

ClinVar aggregate classification (germline): Benign. Review status: criteria provided, multiple submitters, no conflicts (2 of 4 stars). 3 submissions from 3 submitters: Benign (3). Last evaluated 2024-08-01.

Allele frequency attached by ClinVar (database versions not stated): 1000 Genomes Project 30x 0.00437; 1000 Genomes Project 0.00459; ExAC 0.00608; gnomAD 0.00637 and 0.00659; gnomAD exomes 0.00652 and 0.00872; TOPMed 0.00759; ESP Exome Variant Server 0.00769.
gnomAD v4.1: 13,667 of 1,604,848 alleles (0.85%); highest among the groups gnomAD compares: Middle Eastern, 1.4%; 73 homozygotes.

Submissions (3):

CeGaT Center for Human Genetics Tuebingen
Classification: Benign. Last evaluated: 2024-08-01. Review status: criteria provided, single submitter. Criteria: CeGaT Center For Human Genetics Tuebingen Variant Classification Criteria Version 2. Collection method: clinical testing. Allele origin: germline. Affected: yes. Observed: 1 variant allele.
Comment: SDC1: BP4, BP7, BS1, BS2

Labcorp Genetics (formerly Invitae), Labcorp
Classification: Benign. Last evaluated: 2019-12-31. Review status: criteria provided, single submitter. Criteria: Invitae Variant Classification Sherloc (09022015). Collection method: clinical testing. Allele origin: germline.

Breakthrough Genomics
Classification: Benign. Review status: criteria provided, single submitter. Criteria: ACMG Guidelines, 2015. Collection method: not provided. Allele origin: germline. Inheritance: Unknown mechanism. Affected: yes.

NM_002997.5(SDC1):c.312T>C (p.Ala104=)

Gene: SDC1 (syndecan 1; minus strand). Cytogenetic location: 2p24.1.
Variant type: single nucleotide variant.
Coding change: c.312T>C on transcript NM_002997.5 (MANE Select); coding-DNA position 312, T replaced by C.
Protein change: p.Ala104=; no amino-acid change (alanine 104 retained).
Molecular consequence: synonymous variant.
Genome position (GRCh38, 1-based): chr2:20,204,128, A>G on the plus strand (T>C on the coding strand, the complement: SDC1 is on the minus strand). VCF-style: chr2-20204128-A-G. GRCh37 (hg19) VCF-style: chr2-20403889-A-G.
Other names: c.312T>C, p.Ala104= (NM_001006946.2).
Identifiers: ClinVar variation 773122 (VCV000773122.21), dbSNP rs141073701, ClinGen allele CA1544513.